The following is an entry in ClinVar:

ClinVar aggregate classification (germline): Likely pathogenic (1 of 4 stars; one submission).

Conditions:
MYBPC3-related disorder. Also called: MYBPC3-related condition; MYBPC3-related disease; MYBPC3-related disorders.

Submission:

PreventionGenetics, part of Exact Sciences
Classification: Likely pathogenic for MYBPC3-related condition. Last evaluated: 2023-08-14. Review status: criteria provided, single submitter. Criteria: ACMG Guidelines, 2015. Collection method: clinical testing. Allele origin: germline.
Comment: The MYBPC3 c.2957_2958insT variant is predicted to result in a frameshift and premature protein termination (p.Lys986Asnfs*65). To our knowledge, this variant has not been reported in the literature or in a large population database, indicating this variant is rare. Frameshift variants in MYBPC3 are expected to be pathogenic. This variant is interpreted as likely pathogenic.

NM_000256.3(MYBPC3):c.2957_2958insT (p.Lys986fs)

Gene: MYBPC3 (myosin binding protein C3; minus strand). Cytogenetic location: 11p11.2.
Variant type: Insertion.
Coding change: c.2957_2958insT on transcript NM_000256.3 (MANE Select); coding-DNA positions 2957 to 2958, T inserted.
Protein change: p.Lys986fs; shifts the reading frame from lysine 986.
Molecular consequence: frameshift variant.
Genome position: GRCh38 VCF-style: chr11-47333958-C-CA. GRCh37 (hg19) VCF-style: chr11-47355509-C-CA.
Other names: short protein forms K986fs.
Identifiers: ClinVar variation 2630916 (VCV002630916.1), dbSNP rs2495742710, ClinGen allele CA2695201131.
Genomic context (GRCh38, chr11:47,333,958, plus strand): 5'-GACAGGGAAGGGGGCCAGTCCCACCTGGAAAGGGATGAGAAGGTTCACAGGCTCCCCGAC[C>CA]TTCTTCTGAATGGTCTGGCGCAGGTGCCTGGGCAGCTGAAGCCGTGGCCGTTCTGTGGGT-3'